The following is an entry in ClinVar:

NM_000628.5(IL10RB):c.466G>A (p.Val156Met)

Genes: IL10RB (interleukin 10 receptor subunit beta; plus strand), IFNAR2-IL10RB (IFNAR2-IL10RB readthrough; plus strand). Cytogenetic location: 21q22.11.
Variant type: single nucleotide variant.
Coding change: c.466G>A on transcript NM_000628.5 (MANE Select); coding-DNA position 466, G replaced by A.
Protein change: p.Val156Met; replaces valine 156 with methionine.
Molecular consequence: missense variant. On other transcripts: non-coding transcript variant (1).
Genome position (GRCh38, 1-based): chr21:33,279,886, G>A. VCF-style: chr21-33279886-G-A. GRCh37 (hg19) VCF-style: chr21-34652191-G-A.
Other names: c.1126G>A, p.Val376Met (NM_001414505.1); c.466G>A, p.Val156Met (NM_001405849.1, NM_001405850.1, NM_001406840.1); short protein forms V376M, V156M.
Identifiers: ClinVar variation 2112335 (VCV002112335.4), dbSNP rs1170254672, ClinGen allele CA410109948.

ClinVar aggregate classification (germline): Uncertain significance (1 of 4 stars; one submission).

Conditions:
Inflammatory bowel disease 25. Also called: Inflammatory bowel disease 25, early onset, autosomal recessive. Identifiers: Orphanet 238569, MedGen C2675508, MONDO:0012941, OMIM 612567.

Allele frequency attached by ClinVar (database versions not stated): gnomAD 0.00001; TOPMed 0.00001.

Submission:

Labcorp Genetics (formerly Invitae), Labcorp
Classification: Uncertain significance for Inflammatory bowel disease 25. Last evaluated: 2022-04-08. Review status: criteria provided, single submitter. Criteria: Invitae Variant Classification Sherloc (09022015). Collection method: clinical testing. Allele origin: germline.
Comment: In summary, the available evidence is currently insufficient to determine the role of this variant in disease. Therefore, it has been classified as a Variant of Uncertain Significance. Algorithms developed to predict the effect of missense changes on protein structure and function are either unavailable or do not agree on the potential impact of this missense change (SIFT: "Deleterious"; PolyPhen-2: "Possibly Damaging"; Align-GVGD: "Class C0"). This variant has not been reported in the literature in individuals affected with IL10RB-related conditions. This variant is present in population databases (no rsID available, gnomAD 0.0009%). This sequence change replaces valine, which is neutral and non-polar, with methionine, which is neutral and non-polar, at codon 156 of the IL10RB protein (p.Val156Met).